The following is an entry in ClinVar:

ClinVar aggregate classification (germline): Likely benign. Review status: criteria provided, multiple submitters, no conflicts (2 of 4 stars). 2 submissions from 2 submitters: Likely benign (2). Last evaluated 2025-09-01.

Allele frequency attached by ClinVar (database versions not stated): gnomAD exomes 0.00009 and 0.00005; gnomAD 0.00010 and 0.00009; TOPMed 0.00004; ExAC 0.00005; ESP Exome Variant Server 0.00008.
gnomAD v4.1: 91 of 1,614,064 alleles (0.0056%); highest among the groups gnomAD compares: Non-Finnish European, 0.0043%; no homozygotes.

Submissions (2):

CeGaT Center for Human Genetics Tuebingen
Classification: Likely benign. Last evaluated: 2025-09-01. Review status: criteria provided, single submitter. Criteria: CeGaT Center For Human Genetics Tuebingen Variant Classification Criteria Version 2. Collection method: clinical testing. Allele origin: germline. Affected: yes. Observed: 1 variant allele.
Comment: BCS1L: BP4, BP7

Labcorp Genetics (formerly Invitae), Labcorp
Classification: Likely benign. Last evaluated: 2025-03-17. Review status: criteria provided, single submitter. Criteria: Invitae Variant Classification Sherloc (09022015). Collection method: clinical testing. Allele origin: germline.

NM_001079866.2(BCS1L):c.1185G>A (p.Gln395=)

Gene: BCS1L (BCS1 ubiquinol-cytochrome c reductase complex chaperone; plus strand). Cytogenetic location: 2q35.
Variant type: single nucleotide variant.
Coding change: c.1185G>A on transcript NM_001079866.2 (MANE Select); coding-DNA position 1185, G replaced by A.
Protein change: p.Gln395=; no amino-acid change (glutamine 395 retained).
Molecular consequence: synonymous variant. On other transcripts: non-coding transcript variant (1).
Genome position (GRCh38, 1-based): chr2:218,663,311, G>A. VCF-style: chr2-218663311-G-A. GRCh37 (hg19) VCF-style: chr2-219528034-G-A.
Other names: c.1185G>A, p.Gln395= (NM_001257342.2, NM_001257343.2, NM_001257344.2 and 10 more transcripts); c.825G>A, p.Gln275= (NM_001318836.2, NM_001371451.1); c.684G>A, p.Gln228= (NM_001371452.1, NM_001371453.1, NM_001371454.1 and 3 more transcripts).
Identifiers: ClinVar variation 1106733 (VCV001106733.16), dbSNP rs370453639, ClinGen allele CA2109853.